The following is an entry in ClinVar:

ClinVar aggregate classification (germline): Likely benign (1 of 4 stars; one submission).

Submission:

Women's Health and Genetics/Laboratory Corporation of America, LabCorp
Classification: Likely benign. Last evaluated: 2025-06-03. Review status: criteria provided, single submitter. Criteria: LabCorp Variant Classification Summary - May 2015. Collection method: clinical testing. Allele origin: germline.
Comment: Variant summary: COL4A4 c.1509C>A alters a conserved nucleotide resulting in a synonymous change. Consensus agreement among computation tools predict no significant impact on normal splicing. However, these predictions have yet to be confirmed by functional studies. The frequency data for this variant in gnomAD is considered unreliable, as metrics indicate poor data quality at this position. To our knowledge, no occurrence of c.1509C>A in individuals affected with Alport Syndrome, Autosomal Recessive and no experimental evidence demonstrating its impact on protein function have been reported. No submitters have cited clinical-significance assessments for this variant to ClinVar. Based on the evidence outlined above, the variant was classified as likely benign.

NM_000092.5(COL4A4):c.1509C>A (p.Gly503=)

Gene: COL4A4 (collagen type IV alpha 4 chain; minus strand). Cytogenetic location: 2q36.3.
Variant type: single nucleotide variant.
Coding change: c.1509C>A on transcript NM_000092.5 (MANE Select); coding-DNA position 1509, C replaced by A.
Protein change: p.Gly503=; no amino-acid change (glycine 503 retained).
Molecular consequence: synonymous variant.
Genome position (GRCh38, 1-based): chr2:227,088,767, G>T on the plus strand (C>A on the coding strand, the complement: COL4A4 is on the minus strand). VCF-style: chr2-227088767-G-T. GRCh37 (hg19) VCF-style: chr2-227953483-G-T.
Identifiers: ClinVar variation 3907427 (VCV003907427.1).